The following is an entry in ClinVar:

NM_004260.4(RECQL4):c.226C>A (p.Arg76Ser)

Gene: RECQL4 (RecQ like helicase 4; minus strand). Cytogenetic location: 8q24.3.
Variant type: single nucleotide variant.
Coding change: c.226C>A on transcript NM_004260.4 (MANE Select); coding-DNA position 226, C replaced by A.
Protein change: p.Arg76Ser; replaces arginine 76 with serine.
Molecular consequence: missense variant.
Genome position (GRCh38, 1-based): chr8:144,517,178, G>T on the plus strand (C>A on the coding strand, the complement: RECQL4 is on the minus strand). VCF-style: chr8-144517178-G-T. GRCh37 (hg19) VCF-style: chr8-145742562-G-T.
Other names: c.226C>A, p.Arg76Ser (NM_001413017.1, NM_001413018.1, NM_001413019.1 and 5 more transcripts); c.-495C>A (NM_001413021.1); c.-846C>A (NM_001413022.1, NM_001413023.1, NM_001413037.1 and 3 more transcripts); c.-743C>A (NM_001413024.1, NM_001413035.1); c.97C>A, p.Arg33Ser (NM_001413025.1); c.-908C>A (NM_001413027.1, NM_001413030.1, NM_001413031.1 and 1 more transcripts); c.-571C>A (NM_001413028.1); c.-805C>A (NM_001413032.1); and 2 more; short protein forms R76S, R33S.
Identifiers: ClinVar variation 2149877 (VCV002149877.1), dbSNP rs1815254850, ClinGen allele CA372692356.

ClinVar aggregate classification (germline): Uncertain significance (1 of 4 stars; one submission).

Conditions:
Baller-Gerold syndrome (BGS). Also called: CRANIOSYNOSTOSIS WITH RADIAL DEFECTS. Identifiers: Orphanet 1225, MedGen C0265308, MONDO:0009039, OMIM 218600.

Submission:

Labcorp Genetics (formerly Invitae), Labcorp
Classification: Uncertain significance for Baller-Gerold syndrome. Last evaluated: 2022-07-31. Review status: criteria provided, single submitter. Criteria: Invitae Variant Classification Sherloc (09022015). Collection method: clinical testing. Allele origin: germline.
Comment: This sequence change replaces arginine, which is basic and polar, with serine, which is neutral and polar, at codon 76 of the RECQL4 protein (p.Arg76Ser). This variant is not present in population databases (gnomAD no frequency). This variant has not been reported in the literature in individuals affected with RECQL4-related conditions. Experimental studies and prediction algorithms are not available or were not evaluated, and the functional significance of this variant is currently unknown. In summary, the available evidence is currently insufficient to determine the role of this variant in disease. Therefore, it has been classified as a Variant of Uncertain Significance.